The following is an entry in ClinVar:

NM_000540.3(RYR1):c.10441-8T>C

Gene: RYR1 (ryanodine receptor 1; plus strand). Cytogenetic location: 19q13.2.
Variant type: single nucleotide variant.
Coding change: c.10441-8T>C on transcript NM_000540.3 (MANE Select); 8 bases into the intron before coding-DNA position 10441, T replaced by C.
Molecular consequence: intron variant.
Genome position (GRCh38, 1-based): chr19:38,523,907, T>C. VCF-style: chr19-38523907-T-C. GRCh37 (hg19) VCF-style: chr19-39014547-T-C.
Other names: c.10440+598T>C (NM_001042723.2).
Identifiers: ClinVar variation 891365 (VCV000891365.8), dbSNP rs755330618, ClinGen allele CA053536.

ClinVar aggregate classification (germline): Conflicting classifications of pathogenicity. Review status: criteria provided, conflicting classifications (1 of 4 stars). 5 submissions from 3 submitters: Uncertain significance (3); Likely benign (2). Last evaluated 2025-06-27.

Conditions:
RYR1-related disorder. Also called: RYR1-related condition; RYR1-related disorders. Identifiers: MedGen CN239331.
Congenital multicore myopathy with external ophthalmoplegia (CMYO1B). Also called: MULTICORE MYOPATHY; Minicore myopathy with external ophthalmoplegia; Congenital myopathy 1B, autosomal recessive; Minicore myopathy; MULTIMINICORE DISEASE WITH EXTERNAL OPHTHALMOPLEGIA. Identifiers: Orphanet 598, Orphanet 98905, MedGen C1850674, MONDO:0009712, OMIM 255320, HP:0003789.
Central core myopathy (CMYO1A). Also called: CONGENITAL MYOPATHY 1A, AUTOSOMAL DOMINANT, WITH SUSCEPTIBILITY TO MALIGNANT HYPERTHERMIA; Central core disease; Myopathy, central fibrillar. Identifiers: Orphanet 597, MedGen C5830701, MONDO:0007294, OMIM 117000.
Malignant hyperthermia, susceptibility to, 1 (MHS1). Also called: Anesthesia related hyperthermia; Malignant hyperpyrexia; Fulminating hyperpyrexia; Pharmacogenic myopathy; RYR1-Related Malignant Hyperthermia Susceptibility; Malignant hyperthermia suceptibility 1. Identifiers: Orphanet 423, MedGen C2930980, MONDO:0007783, OMIM 145600.

Allele frequency attached by ClinVar (database versions not stated): gnomAD exomes below 0.00001 and 0.00001; ExAC 0.00001; gnomAD 0.00001; TOPMed 0.00001.
gnomAD v4.1: 12 of 1,613,810 alleles (0.00074%); highest among the groups gnomAD compares: African/African-American, 0.0013%; no homozygotes.

Submissions (5):

Labcorp Genetics (formerly Invitae), Labcorp
Classification: Likely benign for RYR1-related disorder. Last evaluated: 2025-06-27. Review status: criteria provided, single submitter. Criteria: Invitae Variant Classification Sherloc (09022015). Collection method: clinical testing. Allele origin: germline.

All of Us Research Program, National Institutes of Health
Classification: Likely benign for Malignant hyperthermia, susceptibility to, 1. Last evaluated: 2023-12-18. Review status: criteria provided, single submitter. Criteria: ACMG Guidelines, 2015. Collection method: clinical testing. Allele origin: germline. Inheritance: Autosomal dominant inheritance. Observed: 1 variant allele, 1 heterozygote.
Comment: This study involves interpretation of variants in research participants for the purpose of population health screening. Participant phenotype was not available at the time of variant classification. Additional details can be found in publication PMID: 35346344, PMCID: PMC8962531

Illumina Laboratory Services, Illumina
Classification: Uncertain significance for Malignant hyperthermia, susceptibility to, 1. Last evaluated: 2018-01-12. Review status: criteria provided, single submitter. Criteria: ICSL Variant Classification Criteria 13 December 2019. Collection method: clinical testing. Allele origin: germline.

Illumina Laboratory Services, Illumina
Classification: Uncertain significance for Central core myopathy. Last evaluated: 2018-01-12. Review status: criteria provided, single submitter. Criteria: ICSL Variant Classification Criteria 13 December 2019. Collection method: clinical testing. Allele origin: germline.

Illumina Laboratory Services, Illumina
Classification: Uncertain significance for Congenital multicore myopathy with external ophthalmoplegia. Last evaluated: 2018-01-12. Review status: criteria provided, single submitter. Criteria: ICSL Variant Classification Criteria 13 December 2019. Collection method: clinical testing. Allele origin: germline.